The following is an entry in ClinVar:

NM_000834.5(GRIN2B):c.2922G>C (p.Gln974His)

Gene: GRIN2B (glutamate ionotropic receptor NMDA type subunit 2B; minus strand). Cytogenetic location: 12p13.1.
Variant type: single nucleotide variant.
Coding change: c.2922G>C on transcript NM_000834.5 (MANE Select); coding-DNA position 2922, G replaced by C.
Protein change: p.Gln974His; replaces glutamine 974 with histidine.
Molecular consequence: missense variant.
Genome position (GRCh38, 1-based): chr12:13,564,316, C>G on the plus strand (G>C on the coding strand, the complement: GRIN2B is on the minus strand). VCF-style: chr12-13564316-C-G. GRCh37 (hg19) VCF-style: chr12-13717250-C-G.
Other names: c.2922G>C, p.Gln974His (NM_001413992.1); short protein forms Q974H.
Identifiers: ClinVar variation 3763406 (VCV003763406.2).

ClinVar aggregate classification (germline): Uncertain significance (1 of 4 stars; one submission).

Conditions:
Developmental and epileptic encephalopathy, 27 (DEE27). Also called: Epileptic encephalopathy, early infantile, 27; GRIN2B-Related Neurodevelopmental Disorder. Identifiers: Orphanet 3451, MedGen C4015316, MONDO:0014505, OMIM 616139.
Intellectual developmental disorder, autosomal dominant 6, with or without seizures. Also called: Intellectual disability, autosomal dominant 6; GRIN2B-related developmental delay, intellectual disability and autism spectrum disorder. Identifiers: Orphanet 589547, MedGen C3151411, MONDO:0013509, OMIM 613970.

Submission:

Labcorp Genetics (formerly Invitae), Labcorp
Classification: Uncertain significance for Developmental and epileptic encephalopathy, 27; Intellectual developmental disorder, autosomal dominant 6, with or without seizures. Last evaluated: 2024-10-16. Review status: criteria provided, single submitter. Criteria: Invitae Variant Classification Sherloc (09022015). Collection method: clinical testing. Allele origin: germline.
Comment: This sequence change replaces glutamine, which is neutral and polar, with histidine, which is basic and polar, at codon 974 of the GRIN2B protein (p.Gln974His). This variant is not present in population databases (gnomAD no frequency). This variant has not been reported in the literature in individuals affected with GRIN2B-related conditions. Invitae Evidence Modeling of protein sequence and biophysical properties (such as structural, functional, and spatial information, amino acid conservation, physicochemical variation, residue mobility, and thermodynamic stability) indicates that this missense variant is not expected to disrupt GRIN2B protein function with a negative predictive value of 95%. In summary, the available evidence is currently insufficient to determine the role of this variant in disease. Therefore, it has been classified as a Variant of Uncertain Significance.